The following is an entry in ClinVar:

ClinVar aggregate classification (germline): Uncertain significance (1 of 4 stars; one submission).

Allele frequency attached by ClinVar (database versions not stated): gnomAD 0.00001; gnomAD exomes 0.00001; TOPMed 0.00002.
gnomAD v4.1: 11 of 1,613,434 alleles (0.00068%); highest among the groups gnomAD compares: Non-Finnish European, 0.00093%; no homozygotes.

Submission:

Labcorp Genetics (formerly Invitae), Labcorp
Classification: Uncertain significance. Last evaluated: 2024-12-20. Review status: criteria provided, single submitter. Criteria: Invitae Variant Classification Sherloc (09022015). Collection method: clinical testing. Allele origin: germline.
Comment: This sequence change replaces lysine, which is basic and polar, with arginine, which is basic and polar, at codon 190 of the POLR1A protein (p.Lys190Arg). This variant is present in population databases (no rsID available, gnomAD 0.0009%). This variant has not been reported in the literature in individuals affected with POLR1A-related conditions. ClinVar contains an entry for this variant (Variation ID: 1946913). Invitae Evidence Modeling of protein sequence and biophysical properties (such as structural, functional, and spatial information, amino acid conservation, physicochemical variation, residue mobility, and thermodynamic stability) indicates that this missense variant is not expected to disrupt POLR1A protein function with a negative predictive value of 80%. In summary, the available evidence is currently insufficient to determine the role of this variant in disease. Therefore, it has been classified as a Variant of Uncertain Significance.

NM_015425.6(POLR1A):c.569A>G (p.Lys190Arg)

Gene: POLR1A (RNA polymerase I subunit A; minus strand). Cytogenetic location: 2p11.2.
Variant type: single nucleotide variant.
Coding change: c.569A>G on transcript NM_015425.6 (MANE Select); coding-DNA position 569, A replaced by G.
Protein change: p.Lys190Arg; replaces lysine 190 with arginine.
Molecular consequence: missense variant.
Genome position (GRCh38, 1-based): chr2:86,088,842, T>C on the plus strand (A>G on the coding strand, the complement: POLR1A is on the minus strand). VCF-style: chr2-86088842-T-C. GRCh37 (hg19) VCF-style: chr2-86315965-T-C.
Other names: short protein forms K190R.
Identifiers: ClinVar variation 1946913 (VCV001946913.5), dbSNP rs1289669144, ClinGen allele CA347556048.